The following is an entry in ClinVar:

ClinVar aggregate classification (germline): Benign. Review status: criteria provided, multiple submitters, no conflicts (2 of 4 stars). 2 submissions from 2 submitters: Benign (2). Last evaluated 2018-06-19.

Allele frequency attached by ClinVar (database versions not stated): gnomAD exomes 0.00490 and 0.01179; ExAC 0.01358; 1000 Genomes Project 0.04153; gnomAD 0.04260 and 0.04588; 1000 Genomes Project 30x 0.04497; ESP Exome Variant Server 0.04593; TOPMed 0.04909.
gnomAD v4.1: 13,974 of 1,611,396 alleles (0.87%); highest among the groups gnomAD compares: African/African-American, 15%; 807 homozygotes.

Submissions (2):

GeneDx
Classification: Benign. Last evaluated: 2018-06-19. Review status: criteria provided, single submitter. Criteria: GeneDx Variant Classification (06012015). Collection method: clinical testing. Allele origin: germline. Affected: yes.
Comment: This variant is considered likely benign or benign based on one or more of the following criteria: it is a conservative change, it occurs at a poorly conserved position in the protein, it is predicted to be benign by multiple in silico algorithms, and/or has population frequency not consistent with disease.

Breakthrough Genomics
Classification: Benign. Review status: criteria provided, single submitter. Criteria: ACMG Guidelines, 2015. Collection method: not provided. Allele origin: germline. Inheritance: Autosomal recessive inheritance. Affected: yes.

NM_198576.4(AGRN):c.4745-44C>T

Gene: AGRN (agrin; plus strand). Cytogenetic location: 1p36.33.
Variant type: single nucleotide variant.
Coding change: c.4745-44C>T on transcript NM_198576.4 (MANE Select); 44 bases into the intron before coding-DNA position 4745, C replaced by T.
Molecular consequence: intron variant.
Genome position (GRCh38, 1-based): chr1:1,049,859, C>T. VCF-style: chr1-1049859-C-T. GRCh37 (hg19) VCF-style: chr1-985239-C-T.
Other names: c.4745-44C>T (NM_001305275.2); c.4430-44C>T (NM_001364727.2).
Identifiers: ClinVar variation 678952 (VCV000678952.2), dbSNP rs115192323, ClinGen allele CA509609.